The following is an entry in ClinVar:

ClinVar aggregate classification (germline): Uncertain significance (1 of 4 stars; one submission).

Conditions:
Cardiovascular phenotype. Identifiers: MedGen CN230736.

Submission:

Ambry Genetics
Classification: Uncertain significance for Cardiovascular phenotype. Last evaluated: 2023-01-05. Review status: criteria provided, single submitter. Criteria: Ambry Variant Classification Scheme 2023. Collection method: clinical testing. Allele origin: germline.
Comment: The p.P1680S variant (also known as c.5038C>T), located in coding exon 27 of the SCN10A gene, results from a C to T substitution at nucleotide position 5038. The proline at codon 1680 is replaced by serine, an amino acid with similar properties. This amino acid position is conserved. In addition, the in silico prediction for this alteration is inconclusive. Since supporting evidence is limited at this time, the clinical significance of this alteration remains unclear.

NM_006514.4(SCN10A):c.5038C>T (p.Pro1680Ser)

Gene: SCN10A (sodium voltage-gated channel alpha subunit 10; minus strand). Cytogenetic location: 3p22.2.
Variant type: single nucleotide variant.
Coding change: c.5038C>T on transcript NM_006514.4 (MANE Select); coding-DNA position 5038, C replaced by T.
Protein change: p.Pro1680Ser; replaces proline 1680 with serine.
Molecular consequence: missense variant.
Genome position (GRCh38, 1-based): chr3:38,698,182, G>A on the plus strand (C>T on the coding strand, the complement: SCN10A is on the minus strand). VCF-style: chr3-38698182-G-A. GRCh37 (hg19) VCF-style: chr3-38739673-G-A.
Other names: c.5035C>T, p.Pro1679Ser (NM_001293306.2); c.4744C>T, p.Pro1582Ser (NM_001293307.2); short protein forms P1679S, P1680S, P1582S.
Identifiers: ClinVar variation 2448843 (VCV002448843.2), dbSNP rs2470553446, ClinGen allele CA352154803.